The following is an entry in ClinVar:

ClinVar aggregate classification (germline): Uncertain significance. Review status: criteria provided, multiple submitters, no conflicts (2 of 4 stars). 2 submissions from 2 submitters: Uncertain significance (2). Last evaluated 2025-12-17.

Conditions:
PCNT-related disorder. Also called: PCNT-related condition.
Inborn genetic diseases. Identifiers: MedGen C0950123, MeSH D030342.

gnomAD v4.1: 16 of 1,614,112 alleles (0.00099%); highest among the groups gnomAD compares: Non-Finnish European, 0.0013%; no homozygotes.

Submissions (2):

PreventionGenetics, part of Exact Sciences
Classification: Uncertain significance for PCNT-related condition. Last evaluated: 2025-12-17. Review status: criteria provided, single submitter. Criteria: ACMG Guidelines, 2015. Collection method: clinical testing. Allele origin: germline.
Comment: The PCNT c.2401G>C variant is predicted to result in the amino acid substitution p.Asp801His. To our knowledge, this variant has not been reported in the literature. This variant is reported in 0.0018% of alleles in individuals of European (Non-Finnish) descent in gnomAD. At this time, the clinical significance of this variant is uncertain due to the absence of conclusive functional and genetic evidence.

Ambry Genetics
Classification: Uncertain significance for Inborn genetic diseases. Last evaluated: 2024-09-09. Review status: criteria provided, single submitter. Criteria: Ambry Variant Classification Scheme 2023. Collection method: clinical testing. Allele origin: germline.

NM_006031.6(PCNT):c.2401G>C (p.Asp801His)

Gene: PCNT (pericentrin; plus strand). Cytogenetic location: 21q22.3.
Variant type: single nucleotide variant.
Coding change: c.2401G>C on transcript NM_006031.6 (MANE Select); coding-DNA position 2401, G replaced by C.
Protein change: p.Asp801His; replaces aspartic acid 801 with histidine.
Molecular consequence: missense variant.
Genome position (GRCh38, 1-based): chr21:46,363,726, G>C. VCF-style: chr21-46363726-G-C. GRCh37 (hg19) VCF-style: chr21-47783641-G-C.
Other names: c.2047G>C, p.Asp683His (NM_001315529.2); short protein forms D683H, D801H.
Identifiers: ClinVar variation 3350559 (VCV003350559.3).